The following is an entry in ClinVar:

NM_015937.6(PIGT):c.986C>T (p.Ser329Phe)

Gene: PIGT (phosphatidylinositol glycan anchor biosynthesis class T; plus strand). Cytogenetic location: 20q13.12.
Variant type: single nucleotide variant.
Coding change: c.986C>T on transcript NM_015937.6 (MANE Select); coding-DNA position 986, C replaced by T.
Protein change: p.Ser329Phe; replaces serine 329 with phenylalanine.
Molecular consequence: missense variant. On other transcripts: non-coding transcript variant (5).
Genome position (GRCh38, 1-based): chr20:45,420,646, C>T. VCF-style: chr20-45420646-C-T. GRCh37 (hg19) VCF-style: chr20-44049286-C-T.
Other names: c.818C>T, p.Ser273Phe (NM_001184728.3); c.986C>T, p.Ser329Phe (NM_001184729.3); c.680C>T, p.Ser227Phe (NM_001184730.3); short protein forms S227F, S273F, S329F.
Identifiers: ClinVar variation 1703294 (VCV001703294.2), dbSNP rs1990302287, ClinGen allele CA409168561.

ClinVar aggregate classification (germline): Uncertain significance (1 of 4 stars; one submission).

Submission:

GeneDx
Classification: Uncertain significance. Last evaluated: 2022-02-23. Review status: criteria provided, single submitter. Criteria: GeneDx Variant Classification Process June 2021. Collection method: clinical testing. Allele origin: germline. Affected: yes.
Comment: Not observed at significant frequency in large population cohorts (gnomAD); In silico analysis supports that this missense variant does not alter protein structure/function; Has not been previously published as pathogenic or benign to our knowledge